The following is an entry in ClinVar:

NM_003079.5(SMARCE1):c.318T>A (p.Asp106Glu)

Gene: SMARCE1 (SWI/SNF related BAF chromatin remodeling complex subunit E1; minus strand). Cytogenetic location: 17q21.2.
Variant type: single nucleotide variant.
Coding change: c.318T>A on transcript NM_003079.5 (MANE Select); coding-DNA position 318, T replaced by A.
Protein change: p.Asp106Glu; replaces aspartic acid 106 with glutamic acid.
Molecular consequence: missense variant.
Genome position (GRCh38, 1-based): chr17:40,636,446, A>T on the plus strand (T>A on the coding strand, the complement: SMARCE1 is on the minus strand). VCF-style: chr17-40636446-A-T. GRCh37 (hg19) VCF-style: chr17-38792698-A-T.
Other names: short protein forms D106E.
Identifiers: ClinVar variation 5029976 (VCV005029976.1).

ClinVar aggregate classification (germline): Uncertain significance (1 of 4 stars; one submission).

Conditions:
Hereditary cancer-predisposing syndrome. Also called: Neoplastic Syndromes, Hereditary; Tumor predisposition; Hereditary neoplastic syndrome; Hereditary Cancer Syndrome. Identifiers: Orphanet 140162, MedGen C0027672, MeSH D009386, MONDO:0015356.

Submission:

Ambry Genetics
Classification: Uncertain significance for Hereditary cancer-predisposing syndrome. Last evaluated: 2026-08-27. Review status: criteria provided, single submitter. Criteria: Ambry Variant Classification Scheme 2023. Collection method: clinical testing. Allele origin: germline.
Comment: The p.D106E variant (also known as c.318T>A), located in coding exon 5 of the SMARCE1 gene, results from a T to A substitution at nucleotide position 318. The aspartic acid at codon 106 is replaced by glutamic acid, an amino acid with highly similar properties. This amino acid position is conserved. In addition, the in silico prediction for this alteration is inconclusive. Based on the available evidence, the clinical significance of this variant remains unclear.